The following is an entry in ClinVar:

ClinVar aggregate classification (germline): Benign/Likely benign. Review status: criteria provided, multiple submitters, no conflicts (2 of 4 stars). 5 submissions from 4 submitters: Benign (4); Likely benign (1). Last evaluated 2026-02-02.

Conditions:
Ehlers-Danlos syndrome, classic type, 1 (EDSCL1). Also called: Ehlers-Danlos syndrome, type 1; EHLERS-DANLOS SYNDROME, GRAVIS TYPE; EHLERS-DANLOS SYNDROME, SEVERE CLASSIC TYPE; EDS I; Ehlers-Danlos Syndrome, Classic Type, COL5A1-Related. Identifiers: MedGen C0268335, MONDO:0019567, OMIM 130000.
Ehlers-Danlos syndrome, classic type (cEDS). Identifiers: Orphanet 287, MedGen C4225429, MONDO:0007522.
Fibromuscular dysplasia, multifocal. Identifiers: MedGen C5543412, MONDO:0859151, OMIM 619329.

Allele frequency attached by ClinVar (database versions not stated): gnomAD exomes 0.00015 and 0.00004; gnomAD 0.00060 and 0.00065; ESP Exome Variant Server 0.00023; 1000 Genomes Project 30x 0.00047; TOPMed 0.00064; ExAC 0.00011; 1000 Genomes Project 0.00060.
gnomAD v4.1: 161 of 1,610,820 alleles (0.01%); highest among the groups gnomAD compares: African/African-American, 0.19%; no homozygotes.

Submissions (5):

Labcorp Genetics (formerly Invitae), Labcorp
Classification: Benign for Ehlers-Danlos syndrome, classic type, 1. Last evaluated: 2026-02-02. Review status: criteria provided, single submitter. Criteria: Invitae Variant Classification Sherloc (09022015). Collection method: clinical testing. Allele origin: germline.

Women's Health and Genetics/Laboratory Corporation of America, LabCorp
Classification: Benign. Last evaluated: 2023-08-24. Review status: criteria provided, single submitter. Criteria: LabCorp Variant Classification Summary - May 2015. Collection method: clinical testing. Allele origin: germline.

Genome-Nilou Lab
Classification: Benign for Ehlers-Danlos syndrome, classic type, 1. Last evaluated: 2022-03-15. Review status: criteria provided, single submitter. Criteria: ACMG Guidelines, 2015. Collection method: clinical testing. Allele origin: germline. Affected: no.

Genome-Nilou Lab
Classification: Benign for Fibromuscular dysplasia, multifocal. Last evaluated: 2022-03-15. Review status: criteria provided, single submitter. Criteria: ACMG Guidelines, 2015. Collection method: clinical testing. Allele origin: germline. Affected: no.

Illumina Laboratory Services, Illumina
Classification: Likely benign for Ehlers-Danlos syndrome, classic type, 1. Last evaluated: 2018-01-12. Review status: criteria provided, single submitter. Criteria: ICSL Variant Classification Criteria 13 December 2019. Collection method: clinical testing. Allele origin: germline.
Comment: This variant was observed in the ICSL laboratory as part of a predisposition screen in an ostensibly healthy population. It had not been previously curated by ICSL or reported in the Human Gene Mutation Database (HGMD: prior to June 1st, 2018), and was therefore a candidate for classification through an automated scoring system. Utilizing variant allele frequency, disease prevalence and penetrance estimates, and inheritance mode, an automated score was calculated to assess if this variant is too frequent to cause the disease. Based on the score and internal cut-off values, a variant classified as likely benign is not then subjected to further curation. The score for this variant resulted in a classification of likely benign for this disease.

NM_000093.5(COL5A1):c.3115-14G>A

Gene: COL5A1 (collagen type V alpha 1 chain; plus strand). Cytogenetic location: 9q34.3.
Variant type: single nucleotide variant.
Coding change: c.3115-14G>A on transcript NM_000093.5 (MANE Select); 14 bases into the intron before coding-DNA position 3115, G replaced by A.
Molecular consequence: intron variant.
Genome position (GRCh38, 1-based): chr9:134,804,961, G>A. VCF-style: chr9-134804961-G-A. GRCh37 (hg19) VCF-style: chr9-137696807-G-A.
Other names: c.3115-14G>A (NM_001278074.1).
Identifiers: ClinVar variation 914561 (VCV000914561.14), dbSNP rs368945793, ClinGen allele CA5319777.